The following is an entry in ClinVar:

NM_002662.5(PLD1):c.880A>T (p.Lys294Ter)

Gene: PLD1 (phospholipase D1; minus strand). Cytogenetic location: 3q26.31.
Variant type: single nucleotide variant.
Coding change: c.880A>T on transcript NM_002662.5 (MANE Select); coding-DNA position 880, A replaced by T.
Protein change: p.Lys294Ter; replaces lysine 294 with a stop codon.
Molecular consequence: nonsense.
Genome position (GRCh38, 1-based): chr3:171,713,924, T>A on the plus strand (A>T on the coding strand, the complement: PLD1 is on the minus strand). VCF-style: chr3-171713924-T-A. GRCh37 (hg19) VCF-style: chr3-171431714-T-A.
Other names: c.880A>T, p.Lys294Ter (NM_001130081.3); short protein forms K294*.
Identifiers: ClinVar variation 1071285 (VCV001071285.7), dbSNP rs1717462000, ClinGen allele CA355505959.

ClinVar aggregate classification (germline): Pathogenic (1 of 4 stars; one submission).

Allele frequency attached by ClinVar (database versions not stated): TOPMed 0.00001.

Submission:

Labcorp Genetics (formerly Invitae), Labcorp
Classification: Pathogenic. Last evaluated: 2017-09-20. Review status: criteria provided, single submitter. Criteria: Invitae Variant Classification Sherloc (09022015). Collection method: clinical testing. Allele origin: germline.
Comment: This sequence change creates a premature translational stop signal (p.Lys294*) in the PLD1 gene. It is expected to result in an absent or disrupted protein product. This variant is not present in population databases (ExAC no frequency). This variant has not been reported in the literature in individuals with PLD1-related disease. Loss-of-function variants in PLD1 are known to be pathogenic (PMID: 27799408). For these reasons, this variant has been classified as Pathogenic.

Literature cited by the submitters: PubMed 27799408.